The following is an entry in ClinVar:

ClinVar aggregate classification (germline): Pathogenic (0 of 4 stars; one submission).

Conditions:
Familial cardiomyopathy. Identifiers: MedGen C0264789, MONDO:0005217.

Submission:

Evolutionary and Medical Genetics Laboratory,  Centre for Cellular and Molecular Biology
Classification: Pathogenic. Review status: no assertion criteria provided. Collection method: not provided. Allele origin: unknown.
Comment: Missense mutation/Non-synonymous
ClinVar note: Converted during submission from pathogenic to Pathogenic.

NM_000257.4(MYH7):c.1073A>T (p.His358Leu)

Gene: MYH7 (myosin heavy chain 7; minus strand). Cytogenetic location: 14q11.2.
Variant type: single nucleotide variant.
Coding change: c.1073A>T on transcript NM_000257.4 (MANE Select); coding-DNA position 1073, A replaced by T.
Protein change: p.His358Leu; replaces histidine 358 with leucine.
Molecular consequence: missense variant.
Genome position (GRCh38, 1-based): chr14:23,429,840, T>A on the plus strand (A>T on the coding strand, the complement: MYH7 is on the minus strand). VCF-style: chr14-23429840-T-A. GRCh37 (hg19) VCF-style: chr14-23899049-T-A.
Other names: short protein forms H358L.
Identifiers: ClinVar variation 132933 (VCV000132933.2), dbSNP rs606231316, ClinGen allele CA010149.